The following is an entry in ClinVar:

NM_001519.4(BRF1):c.422G>A (p.Arg141His)

Gene: BRF1 (BRF1 RNA polymerase III transcription initiation factor subunit; minus strand). Cytogenetic location: 14q32.33.
Variant type: single nucleotide variant.
Coding change: c.422G>A on transcript NM_001519.4 (MANE Select); coding-DNA position 422, G replaced by A.
Protein change: p.Arg141His; replaces arginine 141 with histidine.
Molecular consequence: missense variant.
Genome position (GRCh38, 1-based): chr14:105,272,738, C>T on the plus strand (G>A on the coding strand, the complement: BRF1 is on the minus strand). VCF-style: chr14-105272738-C-T. GRCh37 (hg19) VCF-style: chr14-105739075-C-T.
Other names: c.77G>A, p.Arg26His (NM_001242786.2, NM_001242787.2); c.341G>A, p.Arg114His (NM_001242788.2); c.422G>A, p.Arg141His (NM_001242790.2); short protein forms R114H, R141H, R26H.
Identifiers: ClinVar variation 1308565 (VCV001308565.2), dbSNP rs138790972, ClinGen allele CA7388144.

ClinVar aggregate classification (germline): Uncertain significance (1 of 4 stars; one submission).

Allele frequency attached by ClinVar (database versions not stated): gnomAD 0.00001; ExAC 0.00002; gnomAD exomes 0.00002; ESP Exome Variant Server 0.00008; 1000 Genomes Project 30x 0.00016; 1000 Genomes Project 0.00020.

Submission:

GeneDx
Classification: Uncertain significance. Last evaluated: 2019-04-03. Review status: criteria provided, single submitter. Criteria: GeneDx Variant Classification Process June 2021. Collection method: clinical testing. Allele origin: germline. Affected: yes.
Comment: In silico analysis, which includes protein predictors and evolutionary conservation, supports a deleterious effect; Has not been previously published as pathogenic or benign to our knowledge